The following is an entry in ClinVar:

ClinVar aggregate classification (germline): Conflicting classifications of pathogenicity. Review status: criteria provided, conflicting classifications (1 of 4 stars). 4 submissions from 4 submitters: Uncertain significance (2); Benign (1); Likely benign (1). Last evaluated 2026-06-17.

Conditions:
Tuberous sclerosis 2 (TSC2). Identifiers: Orphanet 805, MedGen C1860707, MONDO:0013199, OMIM 613254.
Hereditary cancer-predisposing syndrome. Also called: Neoplastic Syndromes, Hereditary; Hereditary Cancer Syndrome; Tumor predisposition; Hereditary neoplastic syndrome. Identifiers: Orphanet 140162, MedGen C0027672, MeSH D009386, MONDO:0015356.

Submissions (4):

Ambry Genetics
Classification: Benign for Hereditary cancer-predisposing syndrome. Last evaluated: 2026-06-17. Review status: criteria provided, single submitter. Criteria: Ambry Variant Classification Scheme 2023. Collection method: clinical testing. Allele origin: germline.

GeneDx
Classification: Uncertain significance. Last evaluated: 2023-03-22. Review status: criteria provided, single submitter. Criteria: GeneDx Variant Classification Process June 2021. Collection method: clinical testing. Allele origin: germline. Affected: yes.
Comment: Not observed in large population cohorts (gnomAD); In silico analysis supports that this variant does not alter protein structure/function; Has not been previously published as pathogenic or benign to our knowledge

Genome-Nilou Lab
Classification: Uncertain significance for Tuberous sclerosis 2. Last evaluated: 2021-11-07. Review status: criteria provided, single submitter. Criteria: ACMG Guidelines, 2015. Collection method: clinical testing. Allele origin: germline. Affected: no.

Labcorp Genetics (formerly Invitae), Labcorp
Classification: Likely benign for Tuberous sclerosis 2. Last evaluated: 2021-02-05. Review status: criteria provided, single submitter. Criteria: Invitae Variant Classification Sherloc (09022015). Collection method: clinical testing. Allele origin: germline.

NM_000548.5(TSC2):c.2788_2790delinsGAC (p.Lys930Asp)

Gene: TSC2 (TSC complex subunit 2; plus strand). Cytogenetic location: 16p13.3.
Variant type: Indel.
Coding change: c.2788_2790delinsGAC on transcript NM_000548.5 (MANE Select); coding-DNA positions 2788 to 2790, AAG replaced by GAC.
Protein change: p.Lys930Asp; replaces lysine 930 with aspartic acid.
Molecular consequence: missense variant.
Genome position (GRCh38, 1-based): chr16:2,076,536-2,076,538, AAG replaced by GAC. VCF-style: chr16-2076536-AAG-GAC. GRCh37 (hg19) VCF-style: chr16-2126537-AAG-GAC.
Other names: c.2788_2790delAAGinsGAC (NM_000548.3); c.2788_2790delinsGAC, p.Lys930Asp (NM_001370404.1, NM_001370405.1, NM_021055.3 and 3 more transcripts); c.2677_2679delinsGAC, p.Lys893Asp (NM_001318827.2); c.2641_2643delinsGAC, p.Lys881Asp (NM_001318829.2); c.2188_2190delinsGAC, p.Lys730Asp (NM_001318831.2); c.2821_2823delinsGAC, p.Lys941Asp (NM_001318832.2); short protein forms K930D, K941D, K730D, K881D, K893D.
Identifiers: ClinVar variation 406012 (VCV000406012.17), dbSNP rs1060500935, ClinGen allele CA16614700.